The following is an entry in ClinVar:

NM_080473.5(GATA5):c.20T>G (p.Leu7Arg)

Gene: GATA5 (GATA binding protein 5; minus strand). Cytogenetic location: 20q13.33.
Variant type: single nucleotide variant.
Coding change: c.20T>G on transcript NM_080473.5 (MANE Select); coding-DNA position 20, T replaced by G.
Protein change: p.Leu7Arg; replaces leucine 7 with arginine.
Molecular consequence: missense variant.
Genome position (GRCh38, 1-based): chr20:62,475,502, A>C on the plus strand (T>G on the coding strand, the complement: GATA5 is on the minus strand). VCF-style: chr20-62475502-A-C. GRCh37 (hg19) VCF-style: chr20-61050558-A-C.
Other names: short protein forms L7R.
Identifiers: ClinVar variation 2907065 (VCV002907065.3), dbSNP rs1989838619, ClinGen allele CA409558091.

ClinVar aggregate classification (germline): Uncertain significance (1 of 4 stars; one submission).

Allele frequency attached by ClinVar (database versions not stated): gnomAD exomes below 0.00001; TOPMed below 0.00001.
gnomAD v4.1: 3 of 1,320,262 alleles (0.00023%); highest among the groups gnomAD compares: Non-Finnish European, 0.00029%; no homozygotes.

Submission:

Labcorp Genetics (formerly Invitae), Labcorp
Classification: Uncertain significance. Last evaluated: 2023-05-17. Review status: criteria provided, single submitter. Criteria: Invitae Variant Classification Sherloc (09022015). Collection method: clinical testing. Allele origin: germline.
Comment: This sequence change replaces leucine, which is neutral and non-polar, with arginine, which is basic and polar, at codon 7 of the GATA5 protein (p.Leu7Arg). In summary, the available evidence is currently insufficient to determine the role of this variant in disease. Therefore, it has been classified as a Variant of Uncertain Significance. An algorithm developed to predict the effect of missense changes on protein structure and function (PolyPhen-2) suggests that this variant is likely to be disruptive. This variant has not been reported in the literature in individuals affected with GATA5-related conditions. This variant is not present in population databases (gnomAD no frequency).